The following is an entry in ClinVar:

NM_002291.3(LAMB1):c.3199C>T (p.Arg1067Cys)

Gene: LAMB1 (laminin subunit beta 1; minus strand). Cytogenetic location: 7q31.1.
Variant type: single nucleotide variant.
Coding change: c.3199C>T on transcript NM_002291.3 (MANE Select); coding-DNA position 3199, C replaced by T.
Protein change: p.Arg1067Cys; replaces arginine 1067 with cysteine.
Molecular consequence: missense variant.
Genome position (GRCh38, 1-based): chr7:107,952,104, G>A on the plus strand (C>T on the coding strand, the complement: LAMB1 is on the minus strand). VCF-style: chr7-107952104-G-A. GRCh37 (hg19) VCF-style: chr7-107592549-G-A.
Other names: short protein forms R1067C.
Identifiers: ClinVar variation 1480025 (VCV001480025.5), dbSNP rs771341181, ClinGen allele CA4435406.

ClinVar aggregate classification (germline): Uncertain significance (1 of 4 stars; one submission).

Allele frequency attached by ClinVar (database versions not stated): gnomAD 0.00004 and 0.00005; ExAC 0.00007; gnomAD exomes 0.00007.
gnomAD v4.1: 122 of 1,613,932 alleles (0.0076%); highest among the groups gnomAD compares: South Asian, 0.043%; no homozygotes.

Submission:

Labcorp Genetics (formerly Invitae), Labcorp
Classification: Uncertain significance. Last evaluated: 2024-05-28. Review status: criteria provided, single submitter. Criteria: Invitae Variant Classification Sherloc (09022015). Collection method: clinical testing. Allele origin: germline.
Comment: This sequence change replaces arginine, which is basic and polar, with cysteine, which is neutral and slightly polar, at codon 1067 of the LAMB1 protein (p.Arg1067Cys). This variant is present in population databases (rs771341181, gnomAD 0.03%). This variant has not been reported in the literature in individuals affected with LAMB1-related conditions. ClinVar contains an entry for this variant (Variation ID: 1480025). An algorithm developed to predict the effect of missense changes on protein structure and function (PolyPhen-2) suggests that this variant is likely to be disruptive. In summary, the available evidence is currently insufficient to determine the role of this variant in disease. Therefore, it has been classified as a Variant of Uncertain Significance.